The following is an entry in ClinVar:

NM_004991.4(MECOM):c.404T>C (p.Phe135Ser)

Gene: MECOM (MDS1 and EVI1 complex locus; minus strand). Cytogenetic location: 3q26.2.
Variant type: single nucleotide variant.
Coding change: c.404T>C on transcript NM_004991.4 (MANE Select); coding-DNA position 404, T replaced by C.
Protein change: p.Phe135Ser; replaces phenylalanine 135 with serine.
Molecular consequence: missense variant. On other transcripts: 5 prime UTR variant (12).
Genome position (GRCh38, 1-based): chr3:169,143,804, A>G on the plus strand (T>C on the coding strand, the complement: MECOM is on the minus strand). VCF-style: chr3-169143804-A-G. GRCh37 (hg19) VCF-style: chr3-168861592-A-G.
Other names: c.32T>C, p.Phe11Ser (NM_001105077.4); c.-161T>C (NM_001105078.4, NM_001163999.2, NM_001164000.2 and 9 more transcripts); c.404T>C, p.Phe135Ser (NM_001366466.2, NM_001366473.2); short protein forms F135S, F11S.
Identifiers: ClinVar variation 4053200 (VCV004053200.1).

ClinVar aggregate classification (germline): Uncertain significance (1 of 4 stars; one submission).

Conditions:
Inborn genetic diseases. Identifiers: MedGen C0950123, MeSH D030342.

gnomAD v4.1: 1 of 1,608,664 alleles (0.000062%); highest among the groups gnomAD compares: Admixed American, 0.0017%; no homozygotes.

Submission:

Ambry Genetics
Classification: Uncertain significance for Inborn genetic diseases. Last evaluated: 2025-04-18. Review status: criteria provided, single submitter. Criteria: Ambry Variant Classification Scheme 2023. Collection method: clinical testing. Allele origin: germline.
Comment: The p.F135S variant (also known as c.404T>C), located in coding exon 3 of the MECOM gene, results from a T to C substitution at nucleotide position 404. The phenylalanine at codon 135 is replaced by serine, an amino acid with highly dissimilar properties. This amino acid position is conserved. In addition, this alteration is predicted to be tolerated by in silico analysis. Based on the available evidence, the clinical significance of this variant remains unclear.